The following is an entry in ClinVar:

NM_020549.5(CHAT):c.1391G>A (p.Ser464Asn)

Gene: CHAT (choline O-acetyltransferase; plus strand). Cytogenetic location: 10q11.23.
Variant type: single nucleotide variant.
Coding change: c.1391G>A on transcript NM_020549.5 (MANE Select); coding-DNA position 1391, G replaced by A.
Protein change: p.Ser464Asn; replaces serine 464 with asparagine.
Molecular consequence: missense variant.
Genome position (GRCh38, 1-based): chr10:49,649,516, G>A. VCF-style: chr10-49649516-G-A. GRCh37 (hg19) VCF-style: chr10-50857562-G-A.
Other names: p.Ser464Asn; c.1037G>A, p.Ser346Asn (NM_001142929.2, NM_001142934.2, NM_020984.4 and 2 more transcripts); c.1145G>A, p.Ser382Asn (NM_001142933.2); short protein forms S464N, S382N, S346N.
Identifiers: ClinVar variation 705007 (VCV000705007.17), dbSNP rs148525631, ClinGen allele CA5497487.
Genomic context (GRCh38, chr10:49,649,516, plus strand): 5'-TCCCACAGCTGTCTGGCCGCAGAGCCTCAGGAGGTTGCCTCTGTGCCCGCAGGACGCAGA[G>A]CAGCAGGAAGCTGATCCGAGCAGACTCCGTCAGCGAGCTCCCCGCCCCCCGGAGGCTGCG-3'
Protein context (NP_065574.4, residues 454-474): TEHLLKHVTQ[Ser464Asn]SRKLIRADSV

ClinVar aggregate classification (germline): Conflicting classifications of pathogenicity. Review status: criteria provided, conflicting classifications (1 of 4 stars). 6 submissions from 6 submitters: Uncertain significance (1); Benign (2); Likely benign (3). Last evaluated 2026-01-24.

Conditions:
Inborn genetic diseases. Identifiers: MedGen C0950123, MeSH D030342.
CHAT-related disorder. Also called: CHAT-related condition.
Familial infantile myasthenia (CMS6). Also called: Congenital myasthenic syndrome type 6; MYASTHENIC SYNDROME, PRESYNAPTIC, CONGENITAL, ASSOCIATED WITH EPISODIC APNEA; MYASTHENIC SYNDROME, CONGENITAL, 6, PRESYNAPTIC. Identifiers: Orphanet 590, MedGen C0393929, MONDO:0009689, OMIM 254210.

Allele frequency attached by ClinVar (database versions not stated): gnomAD exomes 0.00013 and 0.00031; ExAC 0.00036; gnomAD 0.00131 and 0.00143; 1000 Genomes Project 0.00140; 1000 Genomes Project 30x 0.00141; TOPMed 0.00145; ESP Exome Variant Server 0.00146.
gnomAD v4.1: 399 of 1,613,844 alleles (0.025%); highest among the groups gnomAD compares: African/African-American, 0.49%; 3 homozygotes.

Submissions (6):

Labcorp Genetics (formerly Invitae), Labcorp
Classification: Benign for Familial infantile myasthenia. Last evaluated: 2026-01-24. Review status: criteria provided, single submitter. Criteria: Invitae Variant Classification Sherloc (09022015). Collection method: clinical testing. Allele origin: germline.

Mayo Clinic Laboratories, Mayo Clinic
Classification: Likely benign. Last evaluated: 2025-12-14. Review status: criteria provided, single submitter. Criteria: ACMG Guidelines, 2015. Collection method: clinical testing. Allele origin: germline. Observed: 4 variant alleles.
Comment: BS1, BP4

Revvity Omics, Revvity
Classification: Likely benign for Familial infantile myasthenia. Last evaluated: 2025-06-23. Review status: criteria provided, single submitter. Criteria: ACMG Guidelines, 2015. Collection method: clinical testing. Allele origin: germline.

PreventionGenetics, part of Exact Sciences
Classification: Likely benign for CHAT-related condition. Last evaluated: 2025-02-11. Review status: criteria provided, single submitter. Criteria: ACMG Guidelines, 2015. Collection method: clinical testing. Allele origin: germline.
Comment: This variant is classified as likely benign based on ACMG/AMP sequence variant interpretation guidelines (Richards et al. 2015 PMID: 25741868, with internal and published modifications).

Ambry Genetics
Classification: Uncertain significance for Inborn genetic diseases. Last evaluated: 2024-03-07. Review status: criteria provided, single submitter. Criteria: Ambry Variant Classification Scheme 2023. Collection method: clinical testing. Allele origin: germline.

Breakthrough Genomics
Classification: Benign. Review status: criteria provided, single submitter. Criteria: ACMG Guidelines, 2015. Collection method: not provided. Allele origin: germline. Inheritance: Autosomal recessive inheritance. Affected: yes.